The following is an entry in ClinVar:

NM_012186.3(FOXE3):c.733G>A (p.Ala245Thr)

Genes: FOXE3 (forkhead box E3; plus strand), LINC01389 (long independently transcribed non-coding RNA 1389; minus strand). Cytogenetic location: 1p33.
Variant type: single nucleotide variant.
Coding change: c.733G>A on transcript NM_012186.3 (MANE Select); coding-DNA position 733, G replaced by A.
Protein change: p.Ala245Thr; replaces alanine 245 with threonine.
Molecular consequence: missense variant.
Genome position (GRCh38, 1-based): chr1:47,417,048, G>A. VCF-style: chr1-47417048-G-A. GRCh37 (hg19) VCF-style: chr1-47882720-G-A.
Other names: short protein forms A245T.
Identifiers: ClinVar variation 1758401 (VCV001758401.7), dbSNP rs1392889288, ClinGen allele CA340250610.

ClinVar aggregate classification (germline): Uncertain significance. Review status: criteria provided, multiple submitters, no conflicts (2 of 4 stars). 2 submissions from 2 submitters: Uncertain significance (2). Last evaluated 2026-05-19.

Conditions:
Cardiovascular phenotype. Identifiers: MedGen CN230736.
Anterior segment dysgenesis. Also called: Ocular anterior segment dysgenesis. Identifiers: Orphanet 88632, MedGen C1862839, MONDO:0019503, HP:0007700.
Congenital primary aphakia. Also called: ANTERIOR SEGMENT DYSGENESIS 2; Anterior segment dysgenesis 2, multiple subtypes. Identifiers: Orphanet 83461, MedGen C1853230, MONDO:0012456, OMIM 610256.

Allele frequency attached by ClinVar (database versions not stated): gnomAD 0.00002; TOPMed 0.00004; 1000 Genomes Project 30x 0.00016.

Submissions (2):

Ambry Genetics
Classification: Uncertain significance for Cardiovascular phenotype. Last evaluated: 2026-05-19. Review status: criteria provided, single submitter. Criteria: Ambry Variant Classification Scheme 2023. Collection method: clinical testing. Allele origin: germline.
Comment: The c.733G>A (p.A245T) alteration is located in exon 1 (coding exon 1) of the FOXE3 gene. This alteration results from a G to A substitution at nucleotide position 733, causing the alanine (A) at amino acid position 245 to be replaced by a threonine (T). Based on data from gnomAD, the A allele has an overall frequency of 0.004% (1/28536) total alleles studied. The highest observed frequency was 0.012% (1/8316) of African alleles. Based on insufficient or conflicting evidence, the clinical significance of this alteration remains unclear.

Labcorp Genetics (formerly Invitae), Labcorp
Classification: Uncertain significance for Anterior segment dysgenesis; Congenital primary aphakia. Last evaluated: 2023-10-20. Review status: criteria provided, single submitter. Criteria: Invitae Variant Classification Sherloc (09022015). Collection method: clinical testing. Allele origin: germline.
Comment: This sequence change replaces alanine, which is neutral and non-polar, with threonine, which is neutral and polar, at codon 245 of the FOXE3 protein (p.Ala245Thr). This variant is present in population databases (no rsID available, gnomAD 0.01%). This variant has not been reported in the literature in individuals affected with FOXE3-related conditions. ClinVar contains an entry for this variant (Variation ID: 1758401). Advanced modeling of protein sequence and biophysical properties (such as structural, functional, and spatial information, amino acid conservation, physicochemical variation, residue mobility, and thermodynamic stability) performed at Invitae indicates that this missense variant is not expected to disrupt FOXE3 protein function. In summary, the available evidence is currently insufficient to determine the role of this variant in disease. Therefore, it has been classified as a Variant of Uncertain Significance.